The following is an entry in ClinVar:

ClinVar aggregate classification (germline): Uncertain significance. Review status: criteria provided, multiple submitters, no conflicts (2 of 4 stars). 2 submissions from 2 submitters: Uncertain significance (2). Last evaluated 2025-01-23.

Conditions:
Inborn genetic diseases. Identifiers: MedGen C0950123, MeSH D030342.

Allele frequency attached by ClinVar (database versions not stated): gnomAD 0.00001; gnomAD exomes 0.00001.
gnomAD v4.1: 10 of 1,613,988 alleles (0.00062%); highest among the groups gnomAD compares: Non-Finnish European, 0.00076%; no homozygotes.

Submissions (2):

Ambry Genetics
Classification: Uncertain significance for Inborn genetic diseases. Last evaluated: 2025-01-23. Review status: criteria provided, single submitter. Criteria: Ambry Variant Classification Scheme 2023. Collection method: clinical testing. Allele origin: germline.

Labcorp Genetics (formerly Invitae), Labcorp
Classification: Uncertain significance. Last evaluated: 2024-10-24. Review status: criteria provided, single submitter. Criteria: Invitae Variant Classification Sherloc (09022015). Collection method: clinical testing. Allele origin: germline.
Comment: This sequence change replaces threonine, which is neutral and polar, with arginine, which is basic and polar, at codon 143 of the ARMC9 protein (p.Thr143Arg). This variant is not present in population databases (gnomAD no frequency). This variant has not been reported in the literature in individuals affected with ARMC9-related conditions. ClinVar contains an entry for this variant (Variation ID: 1468256). Experimental studies and prediction algorithms are not available or were not evaluated, and the functional significance of this variant is currently unknown. In summary, the available evidence is currently insufficient to determine the role of this variant in disease. Therefore, it has been classified as a Variant of Uncertain Significance.

NM_001352754.2(ARMC9):c.428C>G (p.Thr143Arg)

Gene: ARMC9 (armadillo repeat containing 9; plus strand). Cytogenetic location: 2q37.1.
Variant type: single nucleotide variant.
Coding change: c.428C>G on transcript NM_001352754.2 (MANE Select); coding-DNA position 428, C replaced by G.
Protein change: p.Thr143Arg; replaces threonine 143 with arginine.
Molecular consequence: missense variant. On other transcripts: non-coding transcript variant (1).
Genome position (GRCh38, 1-based): chr2:231,216,717, C>G. VCF-style: chr2-231216717-C-G. GRCh37 (hg19) VCF-style: chr2-232081430-C-G.
Other names: c.428C>G (NM_025139.3); c.428C>G, p.Thr143Arg (NM_001271466.4, NM_001291656.2, NM_001352755.2 and 5 more transcripts); short protein forms T143R.
Identifiers: ClinVar variation 1468256 (VCV001468256.7), dbSNP rs2033542555, ClinGen allele CA350947082.